The following is an entry in ClinVar:

ClinVar aggregate classification (germline): Uncertain significance (1 of 4 stars; one submission).

Conditions:
Desbuquois dysplasia 1 (DBQD1). Also called: DESBUQUOIS DYSPLASIA 1, KIM VARIANT; MICROMELIC DWARFISM WITH VERTEBRAL AND METAPHYSEAL ABNORMALITIES AND ADVANCED CARPOTARSAL OSSIFICATION. Identifiers: Orphanet 1425, MedGen C4012146, MONDO:0009629, OMIM 251450.

Allele frequency attached by ClinVar (database versions not stated): TOPMed 0.00001; gnomAD exomes 0.00002; gnomAD 0.00002; ExAC 0.00003.
gnomAD v4.1: 28 of 1,576,780 alleles (0.0018%); highest among the groups gnomAD compares: South Asian, 0.0045%; no homozygotes.

Submission:

Labcorp Genetics (formerly Invitae), Labcorp
Classification: Uncertain significance for Desbuquois dysplasia 1. Last evaluated: 2022-04-25. Review status: criteria provided, single submitter. Criteria: Invitae Variant Classification Sherloc (09022015). Collection method: clinical testing. Allele origin: germline.
Comment: This variant has not been reported in the literature in individuals affected with XYLT1-related conditions. In summary, the available evidence is currently insufficient to determine the role of this variant in disease. Therefore, it has been classified as a Variant of Uncertain Significance. Algorithms developed to predict the effect of missense changes on protein structure and function are either unavailable or do not agree on the potential impact of this missense change (SIFT: "Deleterious"; PolyPhen-2: "Probably Damaging"; Align-GVGD: "Class C0"). This variant is present in population databases (rs546484907, gnomAD 0.007%). This sequence change replaces arginine, which is basic and polar, with tryptophan, which is neutral and slightly polar, at codon 957 of the XYLT1 protein (p.Arg957Trp).

NM_022166.4(XYLT1):c.2869C>T (p.Arg957Trp)

Gene: XYLT1 (xylosyltransferase 1; minus strand). Cytogenetic location: 16p12.3.
Variant type: single nucleotide variant.
Coding change: c.2869C>T on transcript NM_022166.4 (MANE Select); coding-DNA position 2869, C replaced by T.
Protein change: p.Arg957Trp; replaces arginine 957 with tryptophan.
Molecular consequence: missense variant.
Genome position (GRCh38, 1-based): chr16:17,108,706, G>A on the plus strand (C>T on the coding strand, the complement: XYLT1 is on the minus strand). VCF-style: chr16-17108706-G-A. GRCh37 (hg19) VCF-style: chr16-17202563-G-A.
Other names: short protein forms R957W.
Identifiers: ClinVar variation 2059108 (VCV002059108.4), dbSNP rs546484907, ClinGen allele CA7927463.
Genomic context (GRCh38, chr16:17,108,706, plus strand): 5'-GCTGCTTTCCCGTTGAGATCCTGCTGTGGCCCACTCCTCGTGCCCAGTGCTACCTGAGCC[G>A]GCCATCAGGTTTGACTGCCCCCAGCTCCGACTTGGGGTCAGGGCTGAAGGAGCTCCAGGC-3'
Protein context (NP_071449.1, residues 947-959): SELGAVKPDG[Arg957Trp]LR